The following is an entry in ClinVar:

ClinVar aggregate classification (germline): Uncertain significance (1 of 4 stars; one submission).

Conditions:
Inborn genetic diseases. Identifiers: MedGen C0950123, MeSH D030342.

Allele frequency attached by ClinVar (database versions not stated): gnomAD 0.00001.
gnomAD v4.1: 1 of 1,610,918 alleles (0.000062%); highest among the groups gnomAD compares: African/African-American, 0.0013%; no homozygotes.

Submission:

Ambry Genetics
Classification: Uncertain significance for Inborn genetic diseases. Last evaluated: 2022-12-31. Review status: criteria provided, single submitter. Criteria: Ambry Variant Classification Scheme 2023. Collection method: clinical testing. Allele origin: germline.
Comment: The p.L869F variant (also known as c.2607G>C), located in coding exon 12 of the ATR gene, results from a G to C substitution at nucleotide position 2607. The leucine at codon 869 is replaced by phenylalanine, an amino acid with highly similar properties. This amino acid position is conserved. In addition, this alteration is predicted to be deleterious by in silico analysis. Since supporting evidence is limited at this time, the clinical significance of this alteration remains unclear.

NM_001184.4(ATR):c.2607G>C (p.Leu869Phe)

Gene: ATR (ATR checkpoint kinase; minus strand). Cytogenetic location: 3q23.
Variant type: single nucleotide variant.
Coding change: c.2607G>C on transcript NM_001184.4 (MANE Select); coding-DNA position 2607, G replaced by C.
Protein change: p.Leu869Phe; replaces leucine 869 with phenylalanine.
Molecular consequence: missense variant.
Genome position (GRCh38, 1-based): chr3:142,553,666, C>G on the plus strand (G>C on the coding strand, the complement: ATR is on the minus strand). VCF-style: chr3-142553666-C-G. GRCh37 (hg19) VCF-style: chr3-142272508-C-G.
Other names: c.2415G>C, p.Leu805Phe (NM_001354579.2); short protein forms L805F, L869F.
Identifiers: ClinVar variation 2453557 (VCV002453557.2), dbSNP rs2034560272, ClinGen allele CA354815399.